The following is an entry in ClinVar:

ClinVar aggregate classification (germline): Conflicting classifications of pathogenicity. Review status: criteria provided, conflicting classifications (1 of 4 stars). 3 submissions from 3 submitters: Likely pathogenic (2); Uncertain significance (1). Last evaluated 2026-09-11.

Conditions:
Retinal disorder. Also called: Retinopathies; Retinal Diseases; Retinopathy; Retinal disorders. Identifiers: MedGen C0035309, MONDO:0005283, HP:0000488.
RDH5-related disorder. Also called: RDH5-related condition.

Allele frequency attached by ClinVar (database versions not stated): gnomAD exomes below 0.00001 and 0.00001; ExAC 0.00001.
gnomAD v4.1: 16 of 1,607,452 alleles (0.001%); highest among the groups gnomAD compares: Non-Finnish European, 0.0014%; no homozygotes.

Submissions (3):

Genetics Laboratory, Great Ormond Street Hospital NHS Foundation Trust, North Thames Genomic Laboratory Hub
Classification: Likely pathogenic for Retinal disorders. Last evaluated: 2026-09-11. Review status: criteria provided, single submitter. Criteria: ACGS Best Practice Guidelines for Variant Classification in Rare Disease 2024 v1.2. Collection method: clinical testing. Allele origin: germline. Affected: yes.
Comment: PM2_moderate, PP3_supporting, PM3_moderate, PP4_supporting

Blueprint Genetics
Classification: Likely pathogenic for RDH5-related disorders. Last evaluated: 2024-09-02. Review status: criteria provided, single submitter. Criteria: ACMG Guidelines, 2015. Collection method: clinical testing. Allele origin: germline. Affected: yes. Observed: 1 variant allele.

Eurofins Ntd Llc (ga)
Classification: Uncertain significance. Last evaluated: 2017-10-04. Review status: criteria provided, single submitter. Criteria: EGL Classification Definitions 2015. Collection method: clinical testing. Allele origin: germline. Observed: 2 variant alleles, 2 heterozygotes.

NM_002905.5(RDH5):c.733+6T>C

Genes: BLOC1S1-RDH5 (BLOC1S1-RDH5 readthrough; plus strand), CD63 (CD63 molecule; minus strand), RDH5 (retinol dehydrogenase 5; plus strand). Cytogenetic location: 12q13.2.
Variant type: single nucleotide variant.
Coding change: c.733+6T>C on transcript NM_002905.5 (MANE Select); 6 bases into the intron after coding-DNA position 733, T replaced by C.
Molecular consequence: intron variant.
Genome position (GRCh38, 1-based): chr12:55,724,055, T>C. VCF-style: chr12-55724055-T-C. GRCh37 (hg19) VCF-style: chr12-56117839-T-C.
Other names: c.733+6T>C (NM_001199771.3).
Identifiers: ClinVar variation 281406 (VCV000281406.7), dbSNP rs754803452, ClinGen allele CA6616924.